The following is an entry in ClinVar:

NM_001195263.2(PDZD7):c.2888C>G (p.Ala963Gly)

Gene: PDZD7 (PDZ domain containing 7; minus strand). Cytogenetic location: 10q24.31.
Variant type: single nucleotide variant.
Coding change: c.2888C>G on transcript NM_001195263.2 (MANE Select); coding-DNA position 2888, C replaced by G.
Protein change: p.Ala963Gly; replaces alanine 963 with glycine.
Molecular consequence: missense variant.
Genome position (GRCh38, 1-based): chr10:101,008,681, G>C on the plus strand (C>G on the coding strand, the complement: PDZD7 is on the minus strand). VCF-style: chr10-101008681-G-C. GRCh37 (hg19) VCF-style: chr10-102768438-G-C.
Other names: short protein forms A963G.
Identifiers: ClinVar variation 2099505 (VCV002099505.4), dbSNP rs2492769511, ClinGen allele CA378223142.

ClinVar aggregate classification (germline): Uncertain significance (1 of 4 stars; one submission).

gnomAD v4.1: 5 of 1,536,022 alleles (0.00033%); highest among the groups gnomAD compares: South Asian, 0.0012%; no homozygotes.

Submission:

Labcorp Genetics (formerly Invitae), Labcorp
Classification: Uncertain significance. Last evaluated: 2022-02-19. Review status: criteria provided, single submitter. Criteria: Invitae Variant Classification Sherloc (09022015). Collection method: clinical testing. Allele origin: germline.
Comment: Algorithms developed to predict the effect of missense changes on protein structure and function are either unavailable or do not agree on the potential impact of this missense change (SIFT: "Deleterious"; PolyPhen-2: "Not Available"; Align-GVGD: "Class C0"). In summary, the available evidence is currently insufficient to determine the role of this variant in disease. Therefore, it has been classified as a Variant of Uncertain Significance. This variant has not been reported in the literature in individuals affected with PDZD7-related conditions. This variant is not present in population databases (gnomAD no frequency). This sequence change replaces alanine, which is neutral and non-polar, with glycine, which is neutral and non-polar, at codon 963 of the PDZD7 protein (p.Ala963Gly).